The following is an entry in ClinVar:

NM_006218.4(PIK3CA):c.2351A>G (p.Glu784Gly)

Gene: PIK3CA (phosphatidylinositol-4,5-bisphosphate 3-kinase catalytic subunit alpha; plus strand). Cytogenetic location: 3q26.32.
Variant type: single nucleotide variant.
Coding change: c.2351A>G on transcript NM_006218.4 (MANE Select); coding-DNA position 2351, A replaced by G.
Protein change: p.Glu784Gly; replaces glutamic acid 784 with glycine.
Molecular consequence: missense variant.
Genome position (GRCh38, 1-based): chr3:179,224,756, A>G. VCF-style: chr3-179224756-A-G. GRCh37 (hg19) VCF-style: chr3-178942544-A-G.
Other names: short protein forms E784G.
Identifiers: ClinVar variation 3225353 (VCV003225353.1), dbSNP rs2108417980, ClinGen allele CA355272032.

ClinVar aggregate classification (germline): Uncertain significance (1 of 4 stars; one submission).

Conditions:
Inborn genetic diseases. Identifiers: MedGen C0950123, MeSH D030342.

Submission:

Ambry Genetics
Classification: Uncertain significance for Inborn genetic diseases. Last evaluated: 2023-09-15. Review status: criteria provided, single submitter. Criteria: Ambry Variant Classification Scheme 2023. Collection method: clinical testing. Allele origin: germline.
Comment: The p.E784G variant (also known as c.2351A>G), located in coding exon 15 of the PIK3CA gene, results from an A to G substitution at nucleotide position 2351. The glutamic acid at codon 784 is replaced by glycine, an amino acid with similar properties. This amino acid position is conserved. In addition, this alteration is predicted to be deleterious by in silico analysis. Since supporting evidence is limited at this time, the clinical significance of this alteration remains unclear.